The following is an entry in ClinVar:

NM_003242.6(TGFBR2):c.378A>G (p.Lys126=)

Gene: TGFBR2 (transforming growth factor beta receptor 2; plus strand). Cytogenetic location: 3p24.1.
Variant type: single nucleotide variant.
Coding change: c.378A>G on transcript NM_003242.6 (MANE Select); coding-DNA position 378, A replaced by G.
Protein change: p.Lys126=; no amino-acid change (lysine 126 retained).
Molecular consequence: synonymous variant. On other transcripts: intron variant (2).
Genome position (GRCh38, 1-based): chr3:30,650,384, A>G. VCF-style: chr3-30650384-A-G. GRCh37 (hg19) VCF-style: chr3-30691876-A-G.
Other names: c.453A>G, p.Lys151= (NM_001024847.3, NM_001407126.1, NM_001407139.1); c.378A>G, p.Lys126= (NM_001407127.1, NM_001407130.1); c.405A>G, p.Lys135= (NM_001407128.1); c.273A>G, p.Lys91= (NM_001407129.1, NM_001407132.1, NM_001407133.1 and 3 more transcripts); c.170-21254A>G (NM_001407137.1); c.95-21254A>G (NM_001407138.1).
Identifiers: ClinVar variation 1148284 (VCV001148284.9), dbSNP rs2125410377, ClinGen allele CA432917441.
Genomic context (GRCh38, chr3:30,650,384, plus strand): 5'-CCCCTACCATGACTTTATTCTGGAAGATGCTGCTTCTCCAAAGTGCATTATGAAGGAAAA[A>G]AAAAAGCCTGGTGAGACTTTCTTCATGTGTTCCTGTAGCTCTGATGAGTGCAATGACAAC-3'
Protein context (NP_003233.4, residues 116-136): AASPKCIMKE[Lys126=]KKPGETFFMC

ClinVar aggregate classification (germline): Likely benign. Review status: criteria provided, multiple submitters, no conflicts (2 of 4 stars). 2 submissions from 2 submitters: Likely benign (2). Last evaluated 2023-10-02.

Conditions:
Familial thoracic aortic aneurysm and aortic dissection (TAAD). Also called: Thoracic aortic aneurysms and dissections. Identifiers: Orphanet 91387, MedGen C4707243, MONDO:0019625.
Loeys-Dietz syndrome 2 (LDS2). Also called: TGFBR2-Related Loeys-Dietz Syndrome; Marfan syndrome, type 2 (formerly); AORTIC ANEURYSM, FAMILIAL THORACIC 3; MARFAN SYNDROME, TYPE II; Marfan Syndrome type 2; Marfan like connective tissue disorder. Identifiers: Orphanet 284973, Orphanet 558, MedGen C2674574, MONDO:0012427, OMIM 610168.

Allele frequency attached by ClinVar (database versions not stated): gnomAD exomes below 0.00001.

Submissions (2):

All of Us Research Program, National Institutes of Health
Classification: Likely benign for Loeys-Dietz syndrome 2. Last evaluated: 2023-10-02. Review status: criteria provided, single submitter. Criteria: ACMG Guidelines, 2015. Collection method: clinical testing. Allele origin: germline. Inheritance: Autosomal dominant inheritance. Observed: 1 variant allele, 1 heterozygote.
Comment: This study involves interpretation of variants in research participants for the purpose of population health screening. Participant phenotype was not available at the time of variant classification. Additional details can be found in publication PMID: 35346344, PMCID: PMC8962531

Labcorp Genetics (formerly Invitae), Labcorp
Classification: Likely benign for Familial thoracic aortic aneurysm and aortic dissection. Last evaluated: 2019-02-01. Review status: criteria provided, single submitter. Criteria: Invitae Variant Classification Sherloc (09022015). Collection method: clinical testing. Allele origin: germline.